The following is an entry in ClinVar:

ClinVar aggregate classification (germline): Conflicting classifications of pathogenicity. Review status: criteria provided, conflicting classifications (1 of 4 stars). 2 submissions from 2 submitters: Uncertain significance (1); Likely benign (1). Last evaluated 2023-11-29.

Conditions:
Aortic valve disease 2 (AOVD2). Identifiers: MedGen C3542024, MONDO:0013902, OMIM 614823.
Cardiovascular phenotype. Identifiers: MedGen CN230736.

Allele frequency attached by ClinVar (database versions not stated): gnomAD 0.00001; TOPMed 0.00001.
gnomAD v4.1: 2 of 1,613,992 alleles (0.00012%); highest among the groups gnomAD compares: Non-Finnish European, 0.00017%; no homozygotes.

Submissions (2):

Ambry Genetics
Classification: Uncertain significance for Cardiovascular phenotype. Last evaluated: 2023-11-29. Review status: criteria provided, single submitter. Criteria: Ambry Variant Classification Scheme 2023. Collection method: clinical testing. Allele origin: germline.
Comment: The p.F430S variant (also known as c.1289T>C), located in coding exon 8 of the TBX5 gene, results from a T to C substitution at nucleotide position 1289. The phenylalanine at codon 430 is replaced by serine, an amino acid with highly dissimilar properties. This amino acid position is conserved. In addition, the in silico prediction for this alteration is inconclusive. Since supporting evidence is limited at this time, the clinical significance of this alteration remains unclear.

Labcorp Genetics (formerly Invitae), Labcorp
Classification: Likely benign for Aortic valve disease 2. Last evaluated: 2022-08-22. Review status: criteria provided, single submitter. Criteria: Invitae Variant Classification Sherloc (09022015). Collection method: clinical testing. Allele origin: germline.

NM_181486.4(TBX5):c.1289T>C (p.Phe430Ser)

Gene: TBX5 (T-box transcription factor 5; minus strand). Cytogenetic location: 12q24.21.
Variant type: single nucleotide variant.
Coding change: c.1289T>C on transcript NM_181486.4 (MANE Select); coding-DNA position 1289, T replaced by C.
Protein change: p.Phe430Ser; replaces phenylalanine 430 with serine.
Molecular consequence: missense variant.
Genome position (GRCh38, 1-based): chr12:114,355,800, A>G on the plus strand (T>C on the coding strand, the complement: TBX5 is on the minus strand). VCF-style: chr12-114355800-A-G. GRCh37 (hg19) VCF-style: chr12-114793605-A-G.
Other names: c.1289T>C, p.Phe430Ser (NM_000192.3); c.1139T>C, p.Phe380Ser (NM_080717.4); short protein forms F430S, F380S.
Identifiers: ClinVar variation 565639 (VCV000565639.10), dbSNP rs1396124456, ClinGen allele CA386925376.